The following is an entry in ClinVar:

ClinVar aggregate classification (germline): Benign (1 of 4 stars; one submission).

Conditions:
MELAS syndrome (MELAS). Also called: Juvenile myopathy, encephalopathy, lactic acidosis, stroke. Identifiers: Orphanet 550, MedGen C0162671, MONDO:0010789, OMIM 540000.

Submission:

Wong Mito Lab, Molecular and Human Genetics, Baylor College of Medicine
Classification: Benign for MELAS syndrome. Last evaluated: 2019-07-12. Review status: criteria provided, single submitter. Criteria: Modified ACMG Guidelines (Unpublished). Collection method: clinical testing. Allele origin: germline.
Comment: The NC_012920.1:m.14687A>G variant in MT-TE gene is interpreted to be a Benign variant based on the modified ACMG guidelines (unpublished). This variant meets the following evidence codes reported in the guidelines: BS1, BS2, BP4

Literature cited by the submitters: PubMed 31965079.

NC_012920.1(MT-TE):m.14687A>G

Gene: MT-TE (mitochondrially encoded tRNA glutamic acid; minus strand).
Variant type: single nucleotide variant.
Genome position: chrM-14687-A-G.
Identifiers: ClinVar variation 690201 (VCV000690201.1), dbSNP rs200189658, ClinGen allele CA337100125.
Genomic context (GRCh38, chrMT:14,687, plus strand): 5'-AACCCCATTACTAAACCCACACTCAACAGAAACAAAGCATACATCATTATTCTCGCACGG[A>G]CTACAACCACGACCAATGATATGAAAAACCATCGTTGTATTTCAACTACAAGAACACCAA-3'